The following is an entry in ClinVar:

NM_014243.3(ADAMTS3):c.1599+7A>G

Gene: ADAMTS3 (ADAM metallopeptidase with thrombospondin type 1 motif 3; minus strand). Cytogenetic location: 4q13.3.
Variant type: single nucleotide variant.
Coding change: c.1599+7A>G on transcript NM_014243.3 (MANE Select); 7 bases into the intron after coding-DNA position 1599, A replaced by G.
Molecular consequence: intron variant.
Genome position (GRCh38, 1-based): chr4:72,315,851, T>C on the plus strand (A>G on the coding strand, the complement: ADAMTS3 is on the minus strand). VCF-style: chr4-72315851-T-C. GRCh37 (hg19) VCF-style: chr4-73181568-T-C.
Identifiers: ClinVar variation 2672991 (VCV002672991.23), dbSNP rs772004057, ClinGen allele CA2956912.

ClinVar aggregate classification (germline): Uncertain significance (1 of 4 stars; one submission).

Allele frequency attached by ClinVar (database versions not stated): TOPMed below 0.00001; gnomAD 0.00001; ExAC 0.00003.
gnomAD v4.1: 19 of 1,529,884 alleles (0.0012%); highest among the groups gnomAD compares: Non-Finnish European, 0.0016%; no homozygotes.

Submission:

CeGaT Center for Human Genetics Tuebingen
Classification: Uncertain significance. Last evaluated: 2023-11-01. Review status: criteria provided, single submitter. Criteria: CeGaT Center For Human Genetics Tuebingen Variant Classification Criteria Version 2. Collection method: clinical testing. Allele origin: germline. Affected: yes. Observed: 1 variant allele.
Comment: ADAMTS3: PM2, BP4